The following is an entry in ClinVar:

NM_000062.3(SERPING1):c.430del (p.Asp144fs)

Gene: SERPING1 (serpin family G member 1; plus strand). Cytogenetic location: 11q12.1.
Variant type: Deletion.
Coding change: c.430del on transcript NM_000062.3 (MANE Select); coding-DNA position 430, one base deleted (G; older notation c.430delG).
Protein change: p.Asp144fs; shifts the reading frame from aspartic acid 144.
Molecular consequence: frameshift variant.
Genome position (GRCh38, 1-based): chr11:57,600,257, G deleted; the last of 5 consecutive G bases (chr11:57,600,253-57,600,257); deleting any one gives the same sequence. VCF-style (leftmost placement, unchanged base first): chr11-57600252-TG-T. GRCh37 (hg19) VCF-style: chr11-57367725-TG-T.
Other names: c.430del, p.Asp144fs (NM_001032295.2); c.430delG (NM_000062.3); short protein forms D144fs.
Identifiers: ClinVar variation 3336696 (VCV003336696.2), dbSNP rs1565169693.
Genomic context (GRCh38, chr11:57,600,252, plus strand): 5'-TCTGCCCAGGACCTGTTACTCTCTGCTCTGACTTGGAGAGTCATTCAACAGAGGCCGTGT[TG>T]GGGGATGCTTTGGTAGATTTCTCCCTGAAGCTCTACCACGCCTTCTCAGCAATGAAGAAG-3'

ClinVar aggregate classification (germline): Pathogenic (1 of 4 stars; one submission).

Conditions:
Hereditary angioedema type 1 (HAE1). Identifiers: Orphanet 100050, Orphanet 100051, Orphanet 91378, MedGen C2717906, MONDO:0015053, OMIM 106100.

Submission:

DNA-diagnostics Laboratory, Research Centre For Medical Genetics
Classification: Pathogenic for Hereditary angioedema type 1. Last evaluated: 2024-08-09. Review status: criteria provided, single submitter. Criteria: ACMG Guidelines, 2015. Collection method: research. Allele origin: germline. Inheritance: Autosomal dominant inheritance. Affected: yes. Observed: 2 variant alleles, 2 heterozygotes. Clinical features observed: Angioedema (HP:0100665), C1 esterase inhibitor deficiency.
Comment: The pathogenic or likely pathogenic SERPING1 gene variants are detected in >90% of the HAE1/2 cases and in >80% of the total HAE cases (e.g., DOI: 10.1016/j.molimm.2008.05.007, 10.1159/2F000138883, 10.1016/j.molimm.2011.07.010 ). Across all SERPING1 gene exons, about 50% of the pathogenic or likely pathogenic variants associated with HAE are LoF (173/297 in ClinVar or 292/596 in HGMD 2022.1). The c.430delG variant in SERPING1 is localized in exon 3 from total of eight gene exons assembling biologically-relevant transcripts, and it is predicted to result in the p.Asp144Metfs*4 frameshift and NMD. Additionally more than 3 LoF variants of the exon 3 SERPING1 gene are pathogenic without the PVS1 criterion: for example, such variants as c.346C>T (p.Gln116*, DOI: 10.1067/mai.2000.110471, 10.1371/journal.pone.0142174), c.120_121del (ClinVar ID: 3248624), c.550+5G>A (ClinVar ID: 3248617) and c.550G>A (p.Gly184Arg, ClinVar ID: 68253). The c.430delG variant has been reported in 2 HAE1 families (DOI: 10.1002/humu.20197, 10.1002/humu.23917) and in our study it was revealed in 1 additional HAE1 family (in daughter and mother). This variant has not been reported in a large population database. In summary, the c.430delG variant in SERPING1 meets ACMG/ClinGen SVI guidance criteria to be classified as pathogenic: PVS1, PP4_Str, PS4_Mod, PM2_Sup, PP1

Literature cited by the submitters: DOI 10.1002/humu.20197; DOI 10.1002/humu.23917.